The following is an entry in ClinVar:

ClinVar aggregate classification (germline): Uncertain significance. Review status: criteria provided, multiple submitters, no conflicts (2 of 4 stars). 2 submissions from 2 submitters: Uncertain significance (2). Last evaluated 2024-10-16.

Conditions:
Dilated cardiomyopathy 1J (CMD1J). Also called: CARDIOMYOPATHY, DILATED, WITH SENSORINEURAL HEARING LOSS, AUTOSOMAL DOMINANT. Identifiers: Orphanet 217622, MedGen C1854368, MONDO:0011541, OMIM 605362.

Submissions (2):

GeneDx
Classification: Uncertain significance. Last evaluated: 2024-10-16. Review status: criteria provided, single submitter. Criteria: GeneDx Variant Classification Process June 2021. Collection method: clinical testing. Allele origin: germline. Affected: yes.
Comment: Not observed at significant frequency in large population cohorts (gnomAD); In silico analysis supports that this missense variant has a deleterious effect on protein structure/function; Has not been previously published as pathogenic or benign to our knowledge; In silico analysis is inconclusive as to whether the variant alters gene splicing; in the absence of RNA/functional studies the actual effect of this sequence change is unknown

Labcorp Genetics (formerly Invitae), Labcorp
Classification: Uncertain significance for Dilated cardiomyopathy 1J. Last evaluated: 2022-08-22. Review status: criteria provided, single submitter. Criteria: Invitae Variant Classification Sherloc (09022015). Collection method: clinical testing. Allele origin: germline.
Comment: This sequence change replaces glycine, which is neutral and non-polar, with arginine, which is basic and polar, at codon 580 of the EYA4 protein (p.Gly580Arg). This variant also falls at the last nucleotide of exon 18, which is part of the consensus splice site for this exon. This variant is not present in population databases (gnomAD no frequency). In summary, the available evidence is currently insufficient to determine the role of this variant in disease. Therefore, it has been classified as a Variant of Uncertain Significance. Variants that disrupt the consensus splice site are a relatively common cause of aberrant splicing (PMID: 17576681, 9536098). Algorithms developed to predict the effect of sequence changes on RNA splicing suggest that this variant may disrupt the consensus splice site. Algorithms developed to predict the effect of missense changes on protein structure and function (SIFT, PolyPhen-2, Align-GVGD) all suggest that this variant is likely to be disruptive. This variant has not been reported in the literature in individuals affected with EYA4-related conditions.

Literature cited by the submitters: PubMed 17576681 (cited by Labcorp Genetics (formerly Invitae), Labcorp); PubMed 9536098 (cited by Labcorp Genetics (formerly Invitae), Labcorp).

NM_004100.5(EYA4):c.1738G>A (p.Gly580Arg)

Genes: TARID (TCF21 antisense RNA inducing promoter demethylation; minus strand), EYA4 (EYA transcriptional coactivator and phosphatase 4; plus strand). Cytogenetic location: 6q23.2.
Variant type: single nucleotide variant.
Coding change: c.1738G>A on transcript NM_004100.5 (MANE Select); coding-DNA position 1738, G replaced by A.
Protein change: p.Gly580Arg; replaces glycine 580 with arginine.
Molecular consequence: missense variant.
Genome position (GRCh38, 1-based): chr6:133,523,177, G>A. VCF-style: chr6-133523177-G-A. GRCh37 (hg19) VCF-style: chr6-133844315-G-A.
Other names: c.1738G>A (NM_004100.4); c.1576G>A, p.Gly526Ser (NM_001301012.2); c.1756G>A, p.Gly586Arg (NM_001301013.2); c.1669G>A, p.Gly557Ser (NM_001370458.1); c.1594G>A, p.Gly532Arg (NM_001370459.1); c.1669G>A, p.Gly557Arg (NM_172103.4); c.1738G>A, p.Gly580Ser (NM_172105.4); short protein forms G557R, G580R, G557S, G580S, G526S, G532R, G586R.
Identifiers: ClinVar variation 2190499 (VCV002190499.5), dbSNP rs2535499857, ClinGen allele CA365699114.